The following is an entry in ClinVar:

NM_152703.5(SAMD9L):c.277T>A (p.Ser93Thr)

Gene: SAMD9L (sterile alpha motif domain containing 9 like; minus strand). Cytogenetic location: 7q21.2.
Variant type: single nucleotide variant.
Coding change: c.277T>A on transcript NM_152703.5 (MANE Select); coding-DNA position 277, T replaced by A.
Protein change: p.Ser93Thr; replaces serine 93 with threonine.
Molecular consequence: missense variant.
Genome position (GRCh38, 1-based): chr7:93,135,695, A>T on the plus strand (T>A on the coding strand, the complement: SAMD9L is on the minus strand). VCF-style: chr7-93135695-A-T. GRCh37 (hg19) VCF-style: chr7-92765008-A-T.
Other names: c.277T>A, p.Ser93Thr (NM_001303496.3, NM_001303497.3, NM_001303498.3 and 5 more transcripts); short protein forms S93T.
Identifiers: ClinVar variation 3658325 (VCV003658325.2).

ClinVar aggregate classification (germline): Uncertain significance (1 of 4 stars; one submission).

Submission:

Labcorp Genetics (formerly Invitae), Labcorp
Classification: Uncertain significance. Last evaluated: 2024-06-30. Review status: criteria provided, single submitter. Criteria: Invitae Variant Classification Sherloc (09022015). Collection method: clinical testing. Allele origin: germline.
Comment: This sequence change replaces serine, which is neutral and polar, with threonine, which is neutral and polar, at codon 93 of the SAMD9L protein (p.Ser93Thr). This variant is not present in population databases (gnomAD no frequency). This variant has not been reported in the literature in individuals affected with SAMD9L-related conditions. Algorithms developed to predict the effect of missense changes on protein structure and function output the following: SIFT: "Not Available"; PolyPhen-2: "Benign"; Align-GVGD: "Not Available". The threonine amino acid residue is found in multiple mammalian species, which suggests that this missense change does not adversely affect protein function. In summary, the available evidence is currently insufficient to determine the role of this variant in disease. Therefore, it has been classified as a Variant of Uncertain Significance.